The following is an entry in ClinVar:

NM_001370466.1(NOD2):c.1864A>T (p.Ile622Phe)

Gene: NOD2 (nucleotide binding oligomerization domain containing 2; plus strand). Cytogenetic location: 16q12.1.
Variant type: single nucleotide variant.
Coding change: c.1864A>T on transcript NM_001370466.1 (MANE Select); coding-DNA position 1864, A replaced by T.
Protein change: p.Ile622Phe; replaces isoleucine 622 with phenylalanine.
Molecular consequence: missense variant. On other transcripts: non-coding transcript variant (1).
Genome position (GRCh38, 1-based): chr16:50,711,856, A>T. VCF-style: chr16-50711856-A-T. GRCh37 (hg19) VCF-style: chr16-50745767-A-T.
Other names: c.1864A>T, p.Ile622Phe (NM_001293557.2); c.1945A>T, p.Ile649Phe (NM_022162.3); short protein forms I622F, I649F.
Identifiers: ClinVar variation 3752502 (VCV003752502.3).

ClinVar aggregate classification (germline): Uncertain significance. Review status: criteria provided, multiple submitters, no conflicts (2 of 4 stars). 2 submissions from 2 submitters: Uncertain significance (2). Last evaluated 2026-01-08.

Conditions:
Inborn genetic diseases. Identifiers: MedGen C0950123, MeSH D030342.
Regional enteritis. Also called: Enteritis, Granulomatous. Identifiers: MedGen C0678202, MeSH D003424.
Blau syndrome (BLAUS). Also called: ARTHROCUTANEOUVEAL GRANULOMATOSIS; GRANULOMATOSIS, FAMILIAL JUVENILE SYSTEMIC; GRANULOMATOSIS, FAMILIAL, BLAU TYPE; GRANULOMATOUS INFLAMMATORY ARTHRITIS, DERMATITIS, AND UVEITIS, FAMILIAL; JABS SYNDROME. Identifiers: Orphanet 90340, MedGen C5201146, MONDO:0008523, OMIM 186580.

gnomAD v4.1: 9 of 1,611,958 alleles (0.00056%); highest among the groups gnomAD compares: East Asian, 0.0067%; no homozygotes.

Submissions (2):

Labcorp Genetics (formerly Invitae), Labcorp
Classification: Uncertain significance for Regional enteritis; Blau syndrome. Last evaluated: 2026-01-08. Review status: criteria provided, single submitter. Criteria: Invitae Variant Classification Sherloc (09022015). Collection method: clinical testing. Allele origin: germline.
Comment: This sequence change replaces isoleucine, which is neutral and non-polar, with phenylalanine, which is neutral and non-polar, at codon 649 of the NOD2 protein (p.Ile649Phe). This variant is not present in population databases (gnomAD no frequency). This variant has not been reported in the literature in individuals affected with NOD2-related conditions. ClinVar contains an entry for this variant (Variation ID: 3752502). Invitae Evidence Modeling of protein sequence and biophysical properties (such as structural, functional, and spatial information, amino acid conservation, physicochemical variation, residue mobility, and thermodynamic stability) indicates that this missense variant is not expected to disrupt NOD2 protein function with a negative predictive value of 95%. In summary, the available evidence is currently insufficient to determine the role of this variant in disease. Therefore, it has been classified as a Variant of Uncertain Significance.

Ambry Genetics
Classification: Uncertain significance for Inborn genetic diseases. Last evaluated: 2025-10-23. Review status: criteria provided, single submitter. Criteria: Ambry Variant Classification Scheme 2023. Collection method: clinical testing. Allele origin: germline.